The following is an entry in ClinVar:

ClinVar aggregate classification (germline): Uncertain significance (1 of 4 stars; one submission).

Conditions:
Generalized epilepsy with febrile seizures plus, type 7 (GEFSP7). Also called: GEFS+, TYPE 7. Identifiers: Orphanet 36387, MedGen C2751778, MONDO:0013470, OMIM 613863.
Neuropathy, hereditary sensory and autonomic, type 2A (HSAN2A). Also called: MORVAN DISEASE; NEUROPATHY, CONGENITAL SENSORY; NEUROPATHY, HEREDITARY SENSORY RADICULAR, AUTOSOMAL RECESSIVE; NEUROPATHY, HEREDITARY SENSORY, TYPE IIA; NEUROPATHY, PROGRESSIVE SENSORY, OF CHILDREN; WNK1-Related HSAN2 (HSAN2A). Identifiers: Orphanet 970, MedGen C2752089, MONDO:0024309, OMIM 201300.

Submission:

Labcorp Genetics (formerly Invitae), Labcorp
Classification: Uncertain significance for Neuropathy, hereditary sensory and autonomic, type 2A; Generalized epilepsy with febrile seizures plus, type 7. Last evaluated: 2022-06-15. Review status: criteria provided, single submitter. Criteria: Invitae Variant Classification Sherloc (09022015). Collection method: clinical testing. Allele origin: germline.
Comment: In summary, the available evidence is currently insufficient to determine the role of this variant in disease. Therefore, it has been classified as a Variant of Uncertain Significance. Algorithms developed to predict the effect of missense changes on protein structure and function (SIFT, PolyPhen-2, Align-GVGD) all suggest that this variant is likely to be tolerated. This variant has not been reported in the literature in individuals affected with SCN9A-related conditions. This variant is not present in population databases (gnomAD no frequency). This sequence change replaces histidine, which is basic and polar, with leucine, which is neutral and non-polar, at codon 1030 of the SCN9A protein (p.His1030Leu).

NM_001365536.1(SCN9A):c.3122A>T (p.His1041Leu)

Genes: SCN1A-AS1 (SCN1A and SCN9A antisense RNA 1; plus strand), SCN9A (sodium voltage-gated channel alpha subunit 9; minus strand). Cytogenetic location: 2q24.3.
Variant type: single nucleotide variant.
Coding change: c.3122A>T on transcript NM_001365536.1 (MANE Select); coding-DNA position 3122, A replaced by T.
Protein change: p.His1041Leu; replaces histidine 1041 with leucine.
Molecular consequence: missense variant.
Genome position (GRCh38, 1-based): chr2:166,272,628, T>A on the plus strand (A>T on the coding strand, the complement: SCN9A is on the minus strand). VCF-style: chr2-166272628-T-A. GRCh37 (hg19) VCF-style: chr2-167129138-T-A.
Other names: c.3089A>T, p.His1030Leu (NM_002977.4); short protein forms H1041L, H1030L.
Identifiers: ClinVar variation 2006863 (VCV002006863.4), dbSNP rs2467984290, ClinGen allele CA349073774.